The following is an entry in ClinVar:

ClinVar aggregate classification (germline): Uncertain significance (1 of 4 stars; one submission).

Conditions:
Emery-Dreifuss muscular dystrophy 4, autosomal dominant (EDMD4). Also called: EMERY-DREIFUSS MUSCULAR DYSTROPHY 4 WITH VARIABLE FEATURES. Identifiers: Orphanet 261, MedGen C2751807, MONDO:0013071, OMIM 612998.
Autosomal recessive ataxia, Beauce type. Also called: ATAXIA, RECESSIVE, OF BEAUCE; SYNE1 Deficiency; Spinocerebellar ataxia, autosomal recessive 8; SYNE1-Related Autosomal Recessive Cerebellar Ataxia. Identifiers: Orphanet 88644, MedGen C1853116, MONDO:0012549, OMIM 610743.

Allele frequency attached by ClinVar (database versions not stated): gnomAD exomes below 0.00001 and 0.00001; ExAC 0.00001.
gnomAD v4.1: 5 of 1,613,948 alleles (0.00031%); highest among the groups gnomAD compares: East Asian, 0.0089%; no homozygotes.

Submission:

Labcorp Genetics (formerly Invitae), Labcorp
Classification: Uncertain significance for Emery-Dreifuss muscular dystrophy 4, autosomal dominant; Spinocerebellar ataxia, autosomal recessive 8. Last evaluated: 2019-03-11. Review status: criteria provided, single submitter. Criteria: Invitae Variant Classification Sherloc (09022015). Collection method: clinical testing. Allele origin: germline.
Comment: This sequence change replaces proline with serine at codon 1023 of the SYNE1 protein (p.Pro1023Ser). The proline residue is highly conserved and there is a moderate physicochemical difference between proline and serine. This variant is present in population databases (rs763255748, ExAC 0.01%). This variant has not been reported in the literature in individuals with SYNE1-related conditions. Algorithms developed to predict the effect of missense changes on protein structure and function are either unavailable or do not agree on the potential impact of this missense change (SIFT: "Deleterious"; PolyPhen-2: "Probably Damaging"; Align-GVGD: "Class C0"). In summary, the available evidence is currently insufficient to determine the role of this variant in disease. Therefore, it has been classified as a Variant of Uncertain Significance.

NM_182961.4(SYNE1):c.3046C>T (p.Pro1016Ser)

Gene: SYNE1 (spectrin repeat containing nuclear envelope protein 1; minus strand). Cytogenetic location: 6q25.2.
Variant type: single nucleotide variant.
Coding change: c.3046C>T on transcript NM_182961.4 (MANE Select); coding-DNA position 3046, C replaced by T.
Protein change: p.Pro1016Ser; replaces proline 1016 with serine.
Molecular consequence: missense variant.
Genome position (GRCh38, 1-based): chr6:152,451,187, G>A on the plus strand (C>T on the coding strand, the complement: SYNE1 is on the minus strand). VCF-style: chr6-152451187-G-A. GRCh37 (hg19) VCF-style: chr6-152772322-G-A.
Other names: c.3067C>T, p.Pro1023Ser (NM_033071.5); short protein forms P1016S, P1023S.
Identifiers: ClinVar variation 862806 (VCV000862806.1), dbSNP rs763255748, ClinGen allele CA4058930.